The following is an entry in ClinVar:

NM_007194.4(CHEK2):c.1178_1186del (p.Pro393_Val395del)

Gene: CHEK2 (checkpoint kinase 2; minus strand). Cytogenetic location: 22q12.1.
Variant type: Deletion.
Coding change: c.1178_1186del on transcript NM_007194.4 (MANE Select); coding-DNA positions 1178 to 1186, 9 bases deleted (CTGAAGTTC; older notation c.1178_1186delCTGAAGTTC).
Protein change: p.Pro393_Val395del.
Molecular consequence: inframe deletion. On other transcripts: inframe indel (4).
Genome position (GRCh38, 1-based): chr22:28,695,783-28,695,791, GAACTTCAG deleted on the plus strand (CTGAAGTTC on the coding strand, the reverse complement: CHEK2 is on the minus strand); deleting any 9 consecutive bases within chr22:28,695,783-28,695,792 gives the same sequence; the c. name uses the placement nearest the transcript's 3' end. VCF-style (leftmost placement, unchanged base first): chr22-28695782-AGAACTTCAG-A. GRCh37 (hg19) VCF-style: chr22-29091770-AGAACTTCAG-A.
Other names: c.1306_1314delCCTGAAGTT, p.Pro436_Val438del (NM_001005735.3); c.514_522delCCTGAAGTT, p.Pro172_Val174del (NM_001257387.3); c.976_984delCCTGAAGTT, p.Pro326_Val328del (NM_001349956.3); c.1090_1098delCCTGAAGTT, p.Pro364_Val366del (NM_145862.3).
Identifiers: ClinVar variation 1741153 (VCV001741153.2), dbSNP rs2517806664, ClinGen allele CA2580099504.

ClinVar aggregate classification (germline): Uncertain significance (1 of 4 stars; one submission).

Conditions:
Hereditary cancer-predisposing syndrome. Also called: Hereditary Cancer Syndrome; Hereditary neoplastic syndrome; Neoplastic Syndromes, Hereditary; Tumor predisposition. Identifiers: Orphanet 140162, MedGen C0027672, MeSH D009386, MONDO:0015356.

Submission:

Ambry Genetics
Classification: Uncertain significance for Hereditary cancer-predisposing syndrome. Last evaluated: 2020-05-29. Review status: criteria provided, single submitter. Criteria: Ambry Variant Classification Scheme 2023. Collection method: clinical testing. Allele origin: germline.
Comment: The c.1178_1186delCTGAAGTTC variant (also known as p.P393_V395del) is located in coding exon 10 of the CHEK2 gene. This variant results from an in-frame CTGAAGTTC deletion at nucleotide positions 1178 to 1186. This results in the in-frame deletion of three amino acids at codons 393 to 395. This amino acid region is highly conserved in available vertebrate species. In addition, this alteration is predicted to be deleterious by in silico analysis (Choi Y et al. PLoS ONE. 2012; 7(10):e46688). Since supporting evidence is limited at this time, the clinical significance of this alteration remains unclear.